The following is an entry in ClinVar:

ClinVar aggregate classification (germline): Uncertain significance (1 of 4 stars; one submission).

Submission:

Labcorp Genetics (formerly Invitae), Labcorp
Classification: Uncertain significance. Last evaluated: 2022-11-10. Review status: criteria provided, single submitter. Criteria: Invitae Variant Classification Sherloc (09022015). Collection method: clinical testing. Allele origin: germline.
Comment: This sequence change replaces glutamine, which is neutral and polar, with lysine, which is basic and polar, at codon 487 of the RASA2 protein (p.Gln487Lys). This variant is not present in population databases (gnomAD no frequency). This variant has not been reported in the literature in individuals affected with RASA2-related conditions. Advanced modeling of protein sequence and biophysical properties (such as structural, functional, and spatial information, amino acid conservation, physicochemical variation, residue mobility, and thermodynamic stability) performed at Invitae indicates that this missense variant is not expected to disrupt RASA2 protein function. In summary, the available evidence is currently insufficient to determine the role of this variant in disease. Therefore, it has been classified as a Variant of Uncertain Significance.

NM_006506.5(RASA2):c.1459C>A (p.Gln487Lys)

Gene: RASA2 (RAS p21 protein activator 2; plus strand). Cytogenetic location: 3q23.
Variant type: single nucleotide variant.
Coding change: c.1459C>A on transcript NM_006506.5 (MANE Select); coding-DNA position 1459, C replaced by A.
Protein change: p.Gln487Lys; replaces glutamine 487 with lysine.
Molecular consequence: missense variant.
Genome position (GRCh38, 1-based): chr3:141,574,043, C>A. VCF-style: chr3-141574043-C-A. GRCh37 (hg19) VCF-style: chr3-141292885-C-A.
Other names: c.1459C>A, p.Gln487Lys (NM_001303245.3, NM_001303246.3); short protein forms Q487K.
Identifiers: ClinVar variation 2813325 (VCV002813325.3), dbSNP rs1033700851, ClinGen allele CA354778756.